The following is an entry in ClinVar:

NM_001243279.3(ACSF3):c.1609del (p.Ala537fs)

Gene: ACSF3 (acyl-CoA synthetase family member 3; plus strand). Cytogenetic location: 16q24.3.
Variant type: Deletion.
Coding change: c.1609del on transcript NM_001243279.3 (MANE Select); coding-DNA position 1609, one base deleted (G; older notation c.1609delG).
Protein change: p.Ala537fs; shifts the reading frame from alanine 537.
Molecular consequence: frameshift variant. On other transcripts: non-coding transcript variant (4).
Genome position (GRCh38, 1-based): chr16:89,146,045, G deleted; the last of 3 consecutive G bases (chr16:89,146,043-89,146,045); deleting any one gives the same sequence. VCF-style (leftmost placement, unchanged base first): chr16-89146042-TG-T. GRCh37 (hg19) VCF-style: chr16-89212450-TG-T.
Other names: c.1609del, p.Ala537fs (NM_001127214.4, NM_174917.5); c.814del, p.Ala272fs (NM_001284316.2); short protein forms A272fs, A537fs.
Identifiers: ClinVar variation 1429622 (VCV001429622.10), dbSNP rs1912887899, ClinGen allele CA2241515830.
Genomic context (GRCh38, chr16:89,146,042, plus strand): 5'-GTCACTGCTGTGGTGACCCTCCGAGAAGGACACTCACTGTCCCACAGGGAGCTCAAAGAG[TG>T]GGCCAGGTAGGGCTGGGTGGGGCGGGCAGGGAGCACTCATGGGGTCTTGGGGGTCCAGTC-3'

ClinVar aggregate classification (germline): Pathogenic/Likely pathogenic. Review status: criteria provided, multiple submitters, no conflicts (2 of 4 stars). 2 submissions from 2 submitters: Pathogenic (1); Likely pathogenic (1). Last evaluated 2025-08-12.

Conditions:
Combined malonic and methylmalonic acidemia. Identifiers: Orphanet 289504, MedGen C3280314, MONDO:0013661, OMIM 614265.

Submissions (2):

Labcorp Genetics (formerly Invitae), Labcorp
Classification: Pathogenic for Combined malonic and methylmalonic acidemia. Last evaluated: 2025-08-12. Review status: criteria provided, single submitter. Criteria: Invitae Variant Classification Sherloc (09022015). Collection method: clinical testing. Allele origin: germline.
Comment: This sequence change is expected to alter the c-terminus of the ACSF3 protein (p.Ala537Profs*135). While this is not anticipated to result in nonsense mediated decay, it is expected to disrupt the last 40 amino acid(s) of the ACSF3 protein and extend the protein by 94 additional amino acid residues. This variant is not present in population databases (gnomAD no frequency). This variant has not been reported in the literature in individuals affected with ACSF3-related conditions. ClinVar contains an entry for this variant (Variation ID: 1429622). This variant disrupts a region of the ACSF3 protein in which other variant(s) (p.Glu549*) have been determined to be pathogenic (internal data). This suggests that this is a clinically significant region of the protein, and that variants that disrupt it are likely to be disease-causing. For these reasons, this variant has been classified as Pathogenic.

Baylor Genetics
Classification: Likely pathogenic for Combined malonic and methylmalonic acidemia. Last evaluated: 2024-02-02. Review status: criteria provided, single submitter. Criteria: ACMG Guidelines, 2015. Collection method: clinical testing. Allele origin: unknown.